The following is an entry in ClinVar:

ClinVar aggregate classification (germline): Uncertain significance. Review status: criteria provided, multiple submitters, no conflicts (2 of 4 stars). 2 submissions from 2 submitters: Uncertain significance (2). Last evaluated 2024-07-28.

Conditions:
Inborn genetic diseases. Identifiers: MedGen C0950123, MeSH D030342.

gnomAD v4.1: 2 of 1,382,866 alleles (0.00014%); highest among the groups gnomAD compares: Non-Finnish European, 0.00019%; no homozygotes.

Submissions (2):

GeneDx
Classification: Uncertain significance. Last evaluated: 2024-07-28. Review status: criteria provided, single submitter. Criteria: GeneDx Variant Classification Process June 2021. Collection method: clinical testing. Allele origin: germline. Affected: yes.
Comment: Not observed at significant frequency in large population cohorts (gnomAD); In silico analysis indicates that this missense variant does not alter protein structure/function; Has not been previously published as pathogenic or benign to our knowledge.

Ambry Genetics
Classification: Uncertain significance for Inborn genetic diseases. Last evaluated: 2024-06-23. Review status: criteria provided, single submitter. Criteria: Ambry Variant Classification Scheme 2023. Collection method: clinical testing. Allele origin: germline.
Comment: The p.R228P variant (also known as c.683G>C), located in coding exon 1 of the SMAD6 gene, results from a G to C substitution at nucleotide position 683. The arginine at codon 228 is replaced by proline, an amino acid with dissimilar properties. This amino acid position is conserved. In addition, the in silico prediction for this alteration is inconclusive. Based on the available evidence, the clinical significance of this variant remains unclear.

NM_005585.5(SMAD6):c.683G>C (p.Arg228Pro)

Gene: SMAD6 (SMAD family member 6; plus strand). Cytogenetic location: 15q22.31.
Variant type: single nucleotide variant.
Coding change: c.683G>C on transcript NM_005585.5 (MANE Select); coding-DNA position 683, G replaced by C.
Protein change: p.Arg228Pro; replaces arginine 228 with proline.
Molecular consequence: missense variant. On other transcripts: non-coding transcript variant (1).
Genome position (GRCh38, 1-based): chr15:66,703,941, G>C. VCF-style: chr15-66703941-G-C. GRCh37 (hg19) VCF-style: chr15-66996279-G-C.
Other names: short protein forms R228P.
Identifiers: ClinVar variation 2501470 (VCV002501470.3), dbSNP rs1439907263, ClinGen allele CA392950033.
Genomic context (GRCh38, chr15:66,703,941, plus strand): 5'-TGCCGCGCGCCGACCTCCGCCTGGGCGGCCAGCCCGCGCCGCCGCAGCTGCTGCTCGGCC[G>C]CCTCTTTCGCTGGCCCGACCTGCAGCACGCCGTGGAGCTGAAGCCCCTGTGCGGCTGCCA-3'
Protein context (NP_005576.3, residues 218-238): QPAPPQLLLG[Arg228Pro]LFRWPDLQHA